The following is an entry in ClinVar:

ClinVar aggregate classification (germline): Uncertain significance (1 of 4 stars; one submission).

Allele frequency attached by ClinVar (database versions not stated): TOPMed below 0.00001; ExAC 0.00001; gnomAD exomes 0.00001.
gnomAD v4.1: 12 of 1,614,198 alleles (0.00074%); highest among the groups gnomAD compares: East Asian, 0.0045%; no homozygotes.

Submission:

Labcorp Genetics (formerly Invitae), Labcorp
Classification: Uncertain significance. Last evaluated: 2023-12-10. Review status: criteria provided, single submitter. Criteria: Invitae Variant Classification Sherloc (09022015). Collection method: clinical testing. Allele origin: germline.
Comment: This sequence change replaces threonine, which is neutral and polar, with methionine, which is neutral and non-polar, at codon 1028 of the RNF31 protein (p.Thr1028Met). This variant is present in population databases (rs758719665, gnomAD 0.0009%). This variant has not been reported in the literature in individuals affected with RNF31-related conditions. An algorithm developed to predict the effect of missense changes on protein structure and function (PolyPhen-2) suggests that this variant is likely to be tolerated. In summary, the available evidence is currently insufficient to determine the role of this variant in disease. Therefore, it has been classified as a Variant of Uncertain Significance.

NM_017999.5(RNF31):c.3083C>T (p.Thr1028Met)

Gene: RNF31 (ring finger protein 31; plus strand). Cytogenetic location: 14q12.
Variant type: single nucleotide variant.
Coding change: c.3083C>T on transcript NM_017999.5 (MANE Select); coding-DNA position 3083, C replaced by T.
Protein change: p.Thr1028Met; replaces threonine 1028 with methionine.
Molecular consequence: missense variant.
Genome position (GRCh38, 1-based): chr14:24,160,325, C>T. VCF-style: chr14-24160325-C-T. GRCh37 (hg19) VCF-style: chr14-24629534-C-T.
Other names: c.2630C>T, p.Thr877Met (NM_001310332.2); short protein forms T1028M, T877M.
Identifiers: ClinVar variation 2987564 (VCV002987564.3), dbSNP rs758719665, ClinGen allele CA7126262.
Genomic context (GRCh38, chr14:24,160,325, plus strand): 5'-GCCTCATCAATGCCCACTCGCTGGACCCAGCCACCTTGTATGAGGTGGAAGAGCTGGAGA[C>T]GGCCACTGAGCGCTACCTGCACGTACGCCCCCAGCCTTTGGCTGGAGAGGATCCCCCTGC-3'
Protein context (NP_060469.4, residues 1018-1038): ATLYEVEELE[Thr1028Met]ATERYLHVRP